The following continues an entry in ClinVar:

NM_000257.4(MYH7):c.4283T>C (p.Leu1428Ser)

ClinVar aggregate classification (germline): Uncertain significance. Uncertain significance (1).

Submissions 11 to 16 of 16:

Revvity Omics, Revvity
Classification: Uncertain significance. Last evaluated: 2020-10-08. Review status: criteria provided, single submitter. Criteria: ACMG Guidelines, 2015. Collection method: clinical testing. Allele origin: germline. Not counted in ClinVar's aggregate classification.

AiLife Diagnostics
Classification: Uncertain significance. Last evaluated: 2020-06-01. Review status: criteria provided, single submitter. Criteria: ACMG Guidelines, 2015. Collection method: clinical testing. Allele origin: germline. Affected: yes. Observed: 1 variant allele. Not counted in ClinVar's aggregate classification.

Laboratory for Molecular Medicine, Mass General Brigham Personalized Medicine
Classification: Uncertain significance for Hypertrophic cardiomyopathy. Last evaluated: 2019-04-04. Review status: criteria provided, single submitter. Criteria: ACMG Guidelines, 2015. Collection method: clinical testing. Allele origin: germline. Not counted in ClinVar's aggregate classification.
Comment: The p.Leu1428Ser variant in MYH7 has been identified in at least 3 individuals with HCM (Ho 2010, Homburger 2016, Murphy 2016, LMM data). This variant has also been identified in 4/67704 of European chromosomes by the Exome Aggregation Consortium (ExAC; dbSNP rs727503244). Leucine (Leu) at position 1428 is highly conserved in mammals and across evolutionarily distant species and the change to serine (Ser) was predicted to be pathogenic using a computational tool clinically validated by our laboratory. This tool's pathogenic prediction is estimated to be correct 94% of the time (Jordan 2011). In summary, while there is some suspicion for a pathogenic role, the clinical significance of the p.Leu1428Ser variant is uncertain.

Cohesion Phenomics
Classification: Benign for Hypertrophic Cardiomyopathy. Last evaluated: 2022-10-10. Review status: no assertion criteria provided. Criteria: ACMG Guidelines, 2015. Collection method: clinical testing. Allele origin: germline. Affected: yes. Not counted in ClinVar's aggregate classification.

Clinical Genetics DNA and cytogenetics Diagnostics Lab, Erasmus MC, Erasmus Medical Center
Classification: Uncertain significance. Review status: no assertion criteria provided. Collection method: clinical testing. Allele origin: germline. Affected: yes. Study: VKGL Data-share Consensus. Not counted in ClinVar's aggregate classification.

Genome Diagnostics Laboratory, University Medical Center Utrecht
Classification: Uncertain significance. Review status: no assertion criteria provided. Collection method: clinical testing. Allele origin: germline. Affected: yes. Study: VKGL Data-share Consensus. Not counted in ClinVar's aggregate classification.

Literature cited by the submitters: PubMed 20818890 (cited by 4 submitters); PubMed 25611685 (cited by 3 submitters); PubMed 26914223 (cited by 5 submitters); PubMed 27224906 (cited by Labcorp Genetics (formerly Invitae), Labcorp); PubMed 27247418 (cited by 4 submitters); PubMed 37652022 (cited by Labcorp Genetics (formerly Invitae), Labcorp); PubMed 27532257 (cited by 3 submitters); PubMed 28606303 (cited by Ambry Genetics); PubMed 33495597 (cited by Ambry Genetics and Color Diagnostics, LLC DBA Color Health); PubMed 34542152 (cited by Ambry Genetics); PubMed 35026164 (cited by Color Diagnostics, LLC DBA Color Health).